The following is an entry in ClinVar:

ClinVar aggregate classification (germline): Pathogenic (1 of 4 stars; one submission).

Conditions:
Retinoblastoma (RB1). Also called: RETINOBLASTOMA, SOMATIC. Identifiers: Orphanet 790, MedGen C0035335, MeSH D012175, MONDO:0008380, OMIM 180200, HP:0009919. Disease mechanism: loss of function. Inheritance: Both sporadic and heritable forms are tested..

Submission:

Labcorp Genetics (formerly Invitae), Labcorp
Classification: Pathogenic for Retinoblastoma. Last evaluated: 2025-12-30. Review status: criteria provided, single submitter. Criteria: Invitae Variant Classification Sherloc (09022015). Collection method: clinical testing. Allele origin: germline.
Comment: This sequence change creates a premature translational stop signal (p.Glu34Argfs*15) in the RB1 gene. It is expected to result in an absent or disrupted protein product. Loss-of-function variants in RB1 are known to be pathogenic (PMID: 17096365). This variant is not present in population databases (gnomAD no frequency). This premature translational stop signal has been observed in individual(s) with bilateral and/or unilateral retinoblastoma (RB) (PMID: 17960112). This variant is also known as g.2157dupC. ClinVar contains an entry for this variant (Variation ID: 845216). For these reasons, this variant has been classified as Pathogenic.

Literature cited by the submitters: PubMed 17096365; PubMed 17960112.

NM_000321.3(RB1):c.98dup (p.Glu34fs)

Gene: RB1 (RB transcriptional corepressor 1; plus strand). Cytogenetic location: 13q14.2.
Variant type: Duplication.
Coding change: c.98dup on transcript NM_000321.3 (MANE Select); coding-DNA position 98, one base duplicated (C; older notation c.98dupC).
Protein change: p.Glu34fs; shifts the reading frame from glutamic acid 34.
Molecular consequence: frameshift variant.
Genome position (GRCh38, 1-based): chr13:48,304,010, C duplicated; the last of 3 consecutive C bases (chr13:48,304,008-48,304,010); duplicating any one gives the same sequence. VCF-style (leftmost placement, unchanged base first): chr13-48304007-A-AC. GRCh37 (hg19) VCF-style: chr13-48878143-A-AC.
Other names: short protein forms E34fs.
Identifiers: ClinVar variation 845216 (VCV000845216.9), dbSNP rs1952054473, ClinGen allele CA916081688.